The following is an entry in ClinVar:

NM_000368.5(TSC1):c.515T>A (p.Val172Glu)

Gene: TSC1 (TSC complex subunit 1; minus strand). Cytogenetic location: 9q34.13.
Variant type: single nucleotide variant.
Coding change: c.515T>A on transcript NM_000368.5 (MANE Select); coding-DNA position 515, T replaced by A.
Protein change: p.Val172Glu; replaces valine 172 with glutamic acid.
Molecular consequence: missense variant.
Genome position (GRCh38, 1-based): chr9:132,921,967, A>T on the plus strand (T>A on the coding strand, the complement: TSC1 is on the minus strand). VCF-style: chr9-132921967-A-T. GRCh37 (hg19) VCF-style: chr9-135797354-A-T.
Other names: c.515T>A, p.Val172Glu (NM_001162426.2); c.362T>A, p.Val121Glu (NM_001162427.2); c.152T>A, p.Val51Glu (NM_001362177.2); short protein forms V172E, V51E, V121E.
Identifiers: ClinVar variation 486581 (VCV000486581.16), dbSNP rs751092692, ClinGen allele CA375372931.

ClinVar aggregate classification (germline): Uncertain significance. Review status: criteria provided, multiple submitters, no conflicts (2 of 4 stars). 3 submissions from 3 submitters: Uncertain significance (3). Last evaluated 2024-06-04.

Conditions:
Hereditary cancer-predisposing syndrome. Also called: Tumor predisposition; Neoplastic Syndromes, Hereditary; Hereditary Cancer Syndrome; Hereditary neoplastic syndrome. Identifiers: Orphanet 140162, MedGen C0027672, MeSH D009386, MONDO:0015356.
Tuberous sclerosis 1 (TSC1). Identifiers: Orphanet 805, MedGen C1854465, MONDO:0008612, OMIM 191100.

Submissions (3):

Labcorp Genetics (formerly Invitae), Labcorp
Classification: Uncertain significance for Tuberous sclerosis 1. Last evaluated: 2024-06-04. Review status: criteria provided, single submitter. Criteria: Invitae Variant Classification Sherloc (09022015). Collection method: clinical testing. Allele origin: germline.
Comment: This sequence change replaces valine, which is neutral and non-polar, with glutamic acid, which is acidic and polar, at codon 172 of the TSC1 protein (p.Val172Glu). This variant is not present in population databases (gnomAD no frequency). This variant has not been reported in the literature in individuals affected with TSC1-related conditions. ClinVar contains an entry for this variant (Variation ID: 486581). Advanced modeling of protein sequence and biophysical properties (such as structural, functional, and spatial information, amino acid conservation, physicochemical variation, residue mobility, and thermodynamic stability) performed at Invitae indicates that this missense variant is not expected to disrupt TSC1 protein function with a negative predictive value of 95%. In summary, the available evidence is currently insufficient to determine the role of this variant in disease. Therefore, it has been classified as a Variant of Uncertain Significance.

Genome-Nilou Lab
Classification: Uncertain significance for Tuberous sclerosis 1. Last evaluated: 2021-11-07. Review status: criteria provided, single submitter. Criteria: ACMG Guidelines, 2015. Collection method: clinical testing. Allele origin: germline. Affected: no.

Ambry Genetics
Classification: Uncertain significance for Hereditary cancer-predisposing syndrome. Last evaluated: 2018-12-20. Review status: criteria provided, single submitter. Criteria: Ambry Variant Classification Scheme 2023. Collection method: clinical testing. Allele origin: germline.
Comment: The p.V172E variant (also known as c.515T>A), located in coding exon 5 of the TSC1 gene, results from a T to A substitution at nucleotide position 515. The valine at codon 172 is replaced by glutamic acid, an amino acid with dissimilar properties. This amino acid position is highly conserved in available vertebrate species. In addition, this alteration is predicted to be deleterious by in silico analysis. Since supporting evidence is limited at this time, the clinical significance of this alteration remains unclear.